The following is an entry in ClinVar:

ClinVar aggregate classification (germline): Uncertain significance (1 of 4 stars; one submission).

Conditions:
MAP1B-related disorder. Also called: MAP1B-related condition.

gnomAD v4.1: 3 of 1,614,150 alleles (0.00019%); highest among the groups gnomAD compares: Admixed American, 0.005%; no homozygotes.

Submission:

PreventionGenetics, part of Exact Sciences
Classification: Uncertain significance for MAP1B-related condition. Last evaluated: 2025-11-30. Review status: criteria provided, single submitter. Criteria: ACMG Guidelines, 2015. Collection method: clinical testing. Allele origin: germline.
Comment: The MAP1B c.6968C>T variant is predicted to result in the amino acid substitution p.Ala2323Val. To our knowledge, this variant has not been reported in the literature. This variant is reported in 0.0087% of alleles in individuals of Latino descent in gnomAD. At this time, the clinical significance of this variant is uncertain due to the absence of conclusive functional and genetic evidence.

NM_005909.5(MAP1B):c.6968C>T (p.Ala2323Val)

Gene: MAP1B (microtubule associated protein 1B; plus strand). Cytogenetic location: 5q13.2.
Variant type: single nucleotide variant.
Coding change: c.6968C>T on transcript NM_005909.5 (MANE Select); coding-DNA position 6968, C replaced by T.
Protein change: p.Ala2323Val; replaces alanine 2323 with valine.
Molecular consequence: missense variant.
Genome position (GRCh38, 1-based): chr5:72,200,323, C>T. VCF-style: chr5-72200323-C-T. GRCh37 (hg19) VCF-style: chr5-71496150-C-T.
Other names: c.6590C>T, p.Ala2197Val (NM_001324255.2); short protein forms A2197V, A2323V.
Identifiers: ClinVar variation 4982140 (VCV004982140.1).